The following is an entry in ClinVar:

NM_018979.4(WNK1):c.4547C>A (p.Pro1516His)

Gene: WNK1 (WNK lysine deficient protein kinase 1; plus strand). Cytogenetic location: 12p13.33.
Variant type: single nucleotide variant.
Coding change: c.4547C>A on transcript NM_018979.4 (MANE Select); coding-DNA position 4547, C replaced by A.
Protein change: p.Pro1516His; replaces proline 1516 with histidine.
Molecular consequence: missense variant.
Genome position (GRCh38, 1-based): chr12:885,351, C>A. VCF-style: chr12-885351-C-A. GRCh37 (hg19) VCF-style: chr12-994517-C-A.
Other names: c.5327C>A, p.Pro1776His (NM_001184985.2); c.3806C>A, p.Pro1269His (NM_014823.3); c.5303C>A, p.Pro1768His (NM_213655.5); short protein forms P1516H, P1768H, P1776H, P1269H.
Identifiers: ClinVar variation 471190 (VCV000471190.8), dbSNP rs1454330405, ClinGen allele CA383331446.

ClinVar aggregate classification (germline): Uncertain significance (1 of 4 stars; one submission).

Conditions:
Neuropathy, hereditary sensory and autonomic, type 2A (HSAN2A). Also called: HSAN IIA; WNK1-Related HSAN2 (HSAN2A); ACROOSTEOLYSIS, GIACCAI TYPE; ACROOSTEOLYSIS, NEUROGENIC; MORVAN DISEASE; NEUROPATHY, CONGENITAL SENSORY. Identifiers: Orphanet 970, MedGen C2752089, MONDO:0024309, OMIM 201300.
Pseudohypoaldosteronism type 2C (PHA2C). Also called: Pseudohypoaldosteronism Type IIC. Identifiers: Orphanet 757, Orphanet 88940, MedGen C1840391, MONDO:0013778, OMIM 614492.

Allele frequency attached by ClinVar (database versions not stated): gnomAD exomes below 0.00001; TOPMed below 0.00001.
gnomAD v4.1: 2 of 1,613,914 alleles (0.00012%); highest among the groups gnomAD compares: Non-Finnish European, 0.00017%; no homozygotes.

Submission:

Labcorp Genetics (formerly Invitae), Labcorp
Classification: Uncertain significance for Neuropathy, hereditary sensory and autonomic, type 2A; Pseudohypoaldosteronism type 2C. Last evaluated: 2017-06-08. Review status: criteria provided, single submitter. Criteria: Invitae Variant Classification Sherloc (09022015). Collection method: clinical testing. Allele origin: germline.
Comment: In summary, this variant has uncertain impact on WNK1 function. The available evidence is currently insufficient to determine its role in disease. Therefore, it has been classified as a Variant of Uncertain Significance. Algorithms developed to predict the effect of missense changes on protein structure and function do not agree on the potential impact of this missense change (SIFT: "Deleterious"; PolyPhen-2: "Probably Damaging"; Align-GVGD: "Class C0"). This variant has not been reported in the literature in individuals with a WNK1-related disease. This variant is not present in population databases (ExAC no frequency). This sequence change replaces proline with histidine at codon 1516 of the WNK1 protein (p.Pro1516His). The proline residue is highly conserved and there is a moderate physicochemical difference between proline and histidine.